The following is an entry in ClinVar:

NM_006059.4(LAMC3):c.3547G>A (p.Ala1183Thr)

Gene: LAMC3 (laminin subunit gamma 3; plus strand). Cytogenetic location: 9q34.12.
Variant type: single nucleotide variant.
Coding change: c.3547G>A on transcript NM_006059.4 (MANE Select); coding-DNA position 3547, G replaced by A.
Protein change: p.Ala1183Thr; replaces alanine 1183 with threonine.
Molecular consequence: missense variant.
Genome position (GRCh38, 1-based): chr9:131,075,883, G>A. VCF-style: chr9-131075883-G-A. GRCh37 (hg19) VCF-style: chr9-133951270-G-A.
Other names: c.3547G>A (NM_006059.3); short protein forms A1183T.
Identifiers: ClinVar variation 1383447 (VCV001383447.4), dbSNP rs372392413, ClinGen allele CA5287847.

ClinVar aggregate classification (germline): Uncertain significance. Review status: criteria provided, multiple submitters, no conflicts (2 of 4 stars). 2 submissions from 2 submitters: Uncertain significance (2). Last evaluated 2025-02-02.

Conditions:
Inborn genetic diseases. Identifiers: MedGen C0950123, MeSH D030342.

Allele frequency attached by ClinVar (database versions not stated): ExAC 0.00003; gnomAD 0.00003 and 0.00004; gnomAD exomes 0.00006; ESP Exome Variant Server 0.00008.

Submissions (2):

Ambry Genetics
Classification: Uncertain significance for Inborn genetic diseases. Last evaluated: 2025-02-02. Review status: criteria provided, single submitter. Criteria: Ambry Variant Classification Scheme 2023. Collection method: clinical testing. Allele origin: germline.

Labcorp Genetics (formerly Invitae), Labcorp
Classification: Uncertain significance. Last evaluated: 2022-10-01. Review status: criteria provided, single submitter. Criteria: Invitae Variant Classification Sherloc (09022015). Collection method: clinical testing. Allele origin: germline.
Comment: This sequence change replaces alanine, which is neutral and non-polar, with threonine, which is neutral and polar, at codon 1183 of the LAMC3 protein (p.Ala1183Thr). This variant is present in population databases (rs372392413, gnomAD 0.04%). This variant has not been reported in the literature in individuals affected with LAMC3-related conditions. ClinVar contains an entry for this variant (Variation ID: 1383447). Algorithms developed to predict the effect of missense changes on protein structure and function output the following: SIFT: "Tolerated"; PolyPhen-2: "Benign"; Align-GVGD: "Class C0". The threonine amino acid residue is found in multiple mammalian species, which suggests that this missense change does not adversely affect protein function. In summary, the available evidence is currently insufficient to determine the role of this variant in disease. Therefore, it has been classified as a Variant of Uncertain Significance.